The following is an entry in ClinVar:

ClinVar aggregate classification (germline): Uncertain significance (1 of 4 stars; one submission).

Conditions:
Hereditary cancer-predisposing syndrome. Also called: Neoplastic Syndromes, Hereditary; Hereditary neoplastic syndrome; Tumor predisposition; Hereditary Cancer Syndrome. Identifiers: Orphanet 140162, MedGen C0027672, MeSH D009386, MONDO:0015356.

Allele frequency attached by ClinVar (database versions not stated): TOPMed below 0.00001.

Submission:

Ambry Genetics
Classification: Uncertain significance for Hereditary cancer-predisposing syndrome. Last evaluated: 2022-12-13. Review status: criteria provided, single submitter. Criteria: Ambry Variant Classification Scheme 2023. Collection method: clinical testing. Allele origin: germline.
Comment: The p.S496R variant (also known as c.1488T>G), located in coding exon 9 of the ATM gene, results from a T to G substitution at nucleotide position 1488. The serine at codon 496 is replaced by arginine, an amino acid with dissimilar properties. This amino acid position is well conserved in available vertebrate species. In addition, the in silico prediction for this alteration is inconclusive. Since supporting evidence is limited at this time, the clinical significance of this alteration remains unclear.

NM_000051.4(ATM):c.1488T>G (p.Ser496Arg)

Gene: ATM (ATM serine/threonine kinase; plus strand). Cytogenetic location: 11q22.3.
Variant type: single nucleotide variant.
Coding change: c.1488T>G on transcript NM_000051.4 (MANE Select); coding-DNA position 1488, T replaced by G.
Protein change: p.Ser496Arg; replaces serine 496 with arginine.
Molecular consequence: missense variant.
Genome position (GRCh38, 1-based): chr11:108,250,953, T>G. VCF-style: chr11-108250953-T-G. GRCh37 (hg19) VCF-style: chr11-108121680-T-G.
Other names: c.1488T>G, p.Ser496Arg (NM_001351834.2); short protein forms S496R.
Identifiers: ClinVar variation 2453935 (VCV002453935.2), dbSNP rs1800737, ClinGen allele CA382534201.
Genomic context (GRCh38, chr11:108,250,953, plus strand): 5'-AAAGTCAGATTTATTAAAACTCTGGAATAAAATTTGGTGTATTACCTTTCGTGGTATAAG[T>G]TCTGAGCAAATACAAGCTGAAAACTTTGGCTTACTTGGAGCCATAATTCAGGGTAGTTTA-3'
Protein context (NP_000042.3, residues 486-506): KIWCITFRGI[Ser496Arg]SEQIQAENFG